The following is an entry in ClinVar:

ClinVar aggregate classification (germline): Benign/Likely benign. Review status: criteria provided, multiple submitters, no conflicts (2 of 4 stars). 6 submissions from 6 submitters: Benign (3); Likely benign (3). Last evaluated 2026-02-03.

Conditions:
Cardiovascular phenotype. Identifiers: MedGen CN230736.

Allele frequency attached by ClinVar (database versions not stated): ESP Exome Variant Server 0.00031; ExAC 0.00040; TOPMed 0.00041; gnomAD 0.00042; gnomAD exomes 0.00044.
gnomAD v4.1: 527 of 1,567,260 alleles (0.034%); highest among the groups gnomAD compares: Admixed American, 0.013%; 2 homozygotes.

Submissions (6):

Labcorp Genetics (formerly Invitae), Labcorp
Classification: Benign. Last evaluated: 2026-02-03. Review status: criteria provided, single submitter. Criteria: Invitae Variant Classification Sherloc (09022015). Collection method: clinical testing. Allele origin: germline.

Molecular Diagnostic Laboratory for Inherited Cardiovascular Disease, Montreal Heart Institute
Classification: Likely benign. Last evaluated: 2025-04-09. Review status: criteria provided, single submitter. Criteria: ACMG Guidelines, 2015. Collection method: clinical testing. Allele origin: germline. Affected: no.
Comment: BS1, BP1, BP4, BP6

Women's Health and Genetics/Laboratory Corporation of America, LabCorp
Classification: Likely benign. Last evaluated: 2025-02-10. Review status: criteria provided, single submitter. Criteria: LabCorp Variant Classification Summary - May 2015. Collection method: clinical testing. Allele origin: germline.
Comment: Variant summary: ALPK3 c.3353C>T (p.Ala1118Val) results in a non-conservative amino acid change in the encoded protein sequence. Two of three in-silico tools predict a benign effect of the variant on protein function. The variant allele was found at a frequency of 0.00034 in 1560524 control chromosomes, predominantly at a frequency of 0.012 within the Ashkenazi Jewish subpopulation in the gnomAD database, including 2 homozygotes. The observed variant frequency within Ashkenazi Jewish control individuals in the gnomAD database is approximately 1.7-fold of the estimated maximal expected allele frequency for a pathogenic variant in ALPK3 causing Cardiomyopathy phenotype (0.0071). To our knowledge, no occurrence of c.3353C>T in individuals affected with Cardiomyopathy and no experimental evidence demonstrating its impact on protein function have been reported. ClinVar contains an entry for this variant (Variation ID: 1238674). Based on the evidence outlined above, the variant was classified as likely benign.

Blueprint Genetics
Classification: Likely benign. Last evaluated: 2024-11-05. Review status: criteria provided, single submitter. Criteria: ACMG Guidelines, 2015. Collection method: clinical testing. Allele origin: germline.

GeneDx
Classification: Benign. Last evaluated: 2020-04-20. Review status: criteria provided, single submitter. Criteria: GeneDx Variant Classification Process June 2021. Collection method: clinical testing. Allele origin: germline. Affected: yes.
Comment: Has not been previously published as pathogenic or benign to our knowledge; In silico analysis, which includes protein predictors and evolutionary conservation, supports that this variant does not alter protein structure/function; In-silico analysis, using splice predictors and evolutionary conservation, is inconclusive as to whether the variant alters gene splicing. In the absence of RNA/functional studies, the actual effect of this sequence change is unknown.

Ambry Genetics
Classification: Benign for Cardiovascular phenotype. Last evaluated: 2019-04-15. Review status: criteria provided, single submitter. Criteria: Ambry Variant Classification Scheme 2023. Collection method: clinical testing. Allele origin: germline.

NM_020778.5(ALPK3):c.3353C>T (p.Ala1118Val)

Gene: ALPK3 (alpha kinase 3; plus strand). Cytogenetic location: 15q25.3.
Variant type: single nucleotide variant.
Coding change: c.3353C>T on transcript NM_020778.5 (MANE Select); coding-DNA position 3353, C replaced by T.
Protein change: p.Ala1118Val; replaces alanine 1118 with valine.
Molecular consequence: missense variant.
Genome position (GRCh38, 1-based): chr15:84,858,091, C>T. VCF-style: chr15-84858091-C-T. GRCh37 (hg19) VCF-style: chr15-85401322-C-T.
Other names: short protein forms A1118V.
Identifiers: ClinVar variation 1238674 (VCV001238674.16), dbSNP rs200275512, ClinGen allele CA7709607.